The following is an entry in ClinVar:

ClinVar aggregate classification (germline): Uncertain significance. Review status: criteria provided, multiple submitters, no conflicts (2 of 4 stars). 3 submissions from 3 submitters: Uncertain significance (3). Last evaluated 2026-01-13.

Conditions:
SLC5A7-related disorder. Also called: SLC5A7-related condition.
Inborn genetic diseases. Identifiers: MedGen C0950123, MeSH D030342.
Neuronopathy, distal hereditary motor, type 7A. Also called: SPINAL MUSCULAR ATROPHY, DISTAL, WITH VOCAL CORD PARALYSIS; Neuronopathy, distal hereditary motor, type viia; Neuronopathy, distal hereditary motor, autosomal dominant 7; HARPER-YOUNG MYOPATHY; HMN VIIA; NEURONOPATHY, DISTAL HEREDITARY MOTOR, HARDING TYPE VIIA. Identifiers: Orphanet 139589, MedGen C1834703, MONDO:0008024, OMIM 158580.
Congenital myasthenic syndrome 20. Also called: Myasthenic syndrome, congenital, 20, presynaptic. Identifiers: MedGen C4310694, MONDO:0014939, OMIM 617143.

Allele frequency attached by ClinVar (database versions not stated): gnomAD 0.00001; TOPMed 0.00001; gnomAD exomes 0.00003; ExAC 0.00005.
gnomAD v4.1: 41 of 1,613,798 alleles (0.0025%); highest among the groups gnomAD compares: South Asian, 0.034%; no homozygotes.

Submissions (3):

PreventionGenetics, part of Exact Sciences
Classification: Uncertain significance for SLC5A7-related condition. Last evaluated: 2026-01-13. Review status: criteria provided, single submitter. Criteria: ACMG Guidelines, 2015. Collection method: clinical testing. Allele origin: germline.
Comment: The SLC5A7 c.1196C>T variant is predicted to result in the amino acid substitution p.Thr399Met. To our knowledge, this variant has not been reported in the literature. This variant is reported in 0.033% of alleles in individuals of South Asian descent in gnomAD. At this time, the clinical significance of this variant is uncertain due to the absence of conclusive functional and genetic evidence.

Labcorp Genetics (formerly Invitae), Labcorp
Classification: Uncertain significance for Neuronopathy, distal hereditary motor, type 7A; Congenital myasthenic syndrome 20. Last evaluated: 2022-05-22. Review status: criteria provided, single submitter. Criteria: Invitae Variant Classification Sherloc (09022015). Collection method: clinical testing. Allele origin: germline.
Comment: Algorithms developed to predict the effect of missense changes on protein structure and function are either unavailable or do not agree on the potential impact of this missense change (SIFT: "Tolerated"; PolyPhen-2: "Possibly Damaging"; Align-GVGD: "Class C0"). This variant has not been reported in the literature in individuals affected with SLC5A7-related conditions. This variant is present in population databases (rs748755332, gnomAD 0.03%). This sequence change replaces threonine, which is neutral and polar, with methionine, which is neutral and non-polar, at codon 399 of the SLC5A7 protein (p.Thr399Met). In summary, the available evidence is currently insufficient to determine the role of this variant in disease. Therefore, it has been classified as a Variant of Uncertain Significance.

Ambry Genetics
Classification: Uncertain significance for Inborn genetic diseases. Last evaluated: 2021-09-30. Review status: criteria provided, single submitter. Criteria: Ambry Variant Classification Scheme 2023. Collection method: clinical testing. Allele origin: germline.

NM_021815.5(SLC5A7):c.1196C>T (p.Thr399Met)

Gene: SLC5A7 (solute carrier family 5 member 7; plus strand). Cytogenetic location: 2q12.3.
Variant type: single nucleotide variant.
Coding change: c.1196C>T on transcript NM_021815.5 (MANE Select); coding-DNA position 1196, C replaced by T.
Protein change: p.Thr399Met; replaces threonine 399 with methionine.
Molecular consequence: missense variant.
Genome position (GRCh38, 1-based): chr2:108,010,314, C>T. VCF-style: chr2-108010314-C-T. GRCh37 (hg19) VCF-style: chr2-108626770-C-T.
Other names: c.1196C>T, p.Thr399Met (NM_001305005.3); c.881C>T, p.Thr294Met (NM_001305006.3); c.455C>T, p.Thr152Met (NM_001305007.3); c.1196C>T (NM_021815.2, NM_021815.4); short protein forms T152M, T294M, T399M.
Identifiers: ClinVar variation 2174247 (VCV002174247.6), dbSNP rs748755332, ClinGen allele CA1819146.